The following is an entry in ClinVar:

NM_003098.3(SNTA1):c.506T>G (p.Met169Arg)

Gene: SNTA1 (syntrophin alpha 1; minus strand). Cytogenetic location: 20q11.21.
Variant type: single nucleotide variant.
Coding change: c.506T>G on transcript NM_003098.3 (MANE Select); coding-DNA position 506, T replaced by G.
Protein change: p.Met169Arg; replaces methionine 169 with arginine.
Molecular consequence: missense variant.
Genome position (GRCh38, 1-based): chr20:33,417,914, A>C on the plus strand (T>G on the coding strand, the complement: SNTA1 is on the minus strand). VCF-style: chr20-33417914-A-C. GRCh37 (hg19) VCF-style: chr20-32005720-A-C.
Other names: short protein forms M169R.
Identifiers: ClinVar variation 1507250 (VCV001507250.8), dbSNP rs2146773187, ClinGen allele CA408632905.

ClinVar aggregate classification (germline): Uncertain significance (1 of 4 stars; one submission).

Conditions:
Long QT syndrome (LQTS). Identifiers: MedGen C0023976, MeSH D008133, MONDO:0002442. Disease mechanism: loss of function. Inheritance: Various modes of inheritance.

Submission:

Labcorp Genetics (formerly Invitae), Labcorp
Classification: Uncertain significance for Long QT syndrome. Last evaluated: 2021-03-24. Review status: criteria provided, single submitter. Criteria: Invitae Variant Classification Sherloc (09022015). Collection method: clinical testing. Allele origin: germline.
Comment: This sequence change replaces methionine with arginine at codon 169 of the SNTA1 protein (p.Met169Arg). The methionine residue is moderately conserved and there is a moderate physicochemical difference between methionine and arginine. This variant is not present in population databases (ExAC no frequency). This variant has not been reported in the literature in individuals with SNTA1-related conditions. Algorithms developed to predict the effect of missense changes on protein structure and function (SIFT, PolyPhen-2, Align-GVGD) all suggest that this variant is likely to be tolerated, but these predictions have not been confirmed by published functional studies and their clinical significance is uncertain. In summary, the available evidence is currently insufficient to determine the role of this variant in disease. Therefore, it has been classified as a Variant of Uncertain Significance.